The following is an entry in ClinVar:

NM_058216.3(RAD51C):c.904+5G>A

Gene: RAD51C (RAD51 paralog C; plus strand). Cytogenetic location: 17q22.
Variant type: single nucleotide variant.
Coding change: c.904+5G>A on transcript NM_058216.3 (MANE Select); 5 bases into the intron after coding-DNA position 904, G replaced by A.
Molecular consequence: intron variant.
Genome position (GRCh38, 1-based): chr17:58,720,817, G>A. VCF-style: chr17-58720817-G-A. GRCh37 (hg19) VCF-style: chr17-56798178-G-A.
Identifiers: ClinVar variation 4696326 (VCV004696326.1).

ClinVar aggregate classification (germline): Uncertain significance (1 of 4 stars; one submission).

Conditions:
Fanconi anemia complementation group O. Also called: RAD51C-Related Fanconi Anemia. Identifiers: Orphanet 84, MedGen C3150653, MONDO:0013248, OMIM 613390.

Submission:

Labcorp Genetics (formerly Invitae), Labcorp
Classification: Uncertain significance for Fanconi anemia complementation group O. Last evaluated: 2025-07-31. Review status: criteria provided, single submitter. Criteria: Invitae Variant Classification Sherloc (09022015). Collection method: clinical testing. Allele origin: germline.
Comment: This sequence change falls in intron 6 of the RAD51C gene. It does not directly change the encoded amino acid sequence of the RAD51C protein. It affects a nucleotide within the consensus splice site. This variant is not present in population databases (gnomAD no frequency). This variant has not been reported in the literature in individuals affected with RAD51C-related conditions. Variants that disrupt the consensus splice site are a relatively common cause of aberrant splicing (PMID: 17576681, 9536098). Algorithms developed to predict the effect of sequence changes on RNA splicing suggest that this variant may disrupt the consensus splice site. This variant disrupts the c.904+5G nucleotide in the RAD51C gene. Other variant(s) that disrupt this nucleotide have been determined to be pathogenic (PMID: 20400964, 22538716, 24993905, 31300551, 31843900, 32885271). This suggests that this nucleotide is clinically significant, and that variants that disrupt this position are likely to be disease-causing. In summary, the available evidence is currently insufficient to determine the role of this variant in disease. Therefore, it has been classified as a Variant of Uncertain Significance.

Literature cited by the submitters: PubMed 17576681; PubMed 9536098; PubMed 20400964; PubMed 22538716; PubMed 24993905; PubMed 31300551; PubMed 31843900; PubMed 32885271.